The following is an entry in ClinVar:

NM_030569.7(ITIH5):c.2545G>T (p.Asp849Tyr)

Gene: ITIH5 (inter-alpha-trypsin inhibitor heavy chain 5; minus strand). Cytogenetic location: 10p14.
Variant type: single nucleotide variant.
Coding change: c.2545G>T on transcript NM_030569.7 (MANE Select); coding-DNA position 2545, G replaced by T.
Protein change: p.Asp849Tyr; replaces aspartic acid 849 with tyrosine.
Molecular consequence: missense variant.
Genome position (GRCh38, 1-based): chr10:7,563,367, C>A on the plus strand (G>T on the coding strand, the complement: ITIH5 is on the minus strand). VCF-style: chr10-7563367-C-A. GRCh37 (hg19) VCF-style: chr10-7605330-C-A.
Other names: c.1903G>T, p.Asp635Tyr (NM_032817.6); short protein forms D849Y, D635Y.
Identifiers: ClinVar variation 161774 (VCV000161774.2), dbSNP rs193920741, ClinGen allele CA174759.

ClinVar aggregate classification (germline): Uncertain significance (0 of 4 stars; one submission).

Conditions:
Prostate cancer. Also called: Malignant tumor of prostate. Identifiers: Orphanet 1331, MedGen C0376358, MONDO:0008315, HP:0012125.

Submission:

Science for Life laboratory,  Karolinska Institutet
Classification: Uncertain significance for Malignant tumor of prostate. Review status: no assertion criteria provided. Collection method: not provided. Allele origin: somatic.
Comment: TumorID:SWE-1
ClinVar note: Converted during submission from Unknown to Uncertain significance.